The following is an entry in ClinVar:

ClinVar aggregate classification (germline): Uncertain significance. Review status: criteria provided, multiple submitters, no conflicts (2 of 4 stars). 2 submissions from 2 submitters: Uncertain significance (2). Last evaluated 2026-07-07.

Conditions:
Hereditary nonpolyposis colorectal neoplasms. Identifiers: MedGen C0009405, MeSH D003123.
Hereditary cancer-predisposing syndrome. Also called: Hereditary Cancer Syndrome; Hereditary neoplastic syndrome; Neoplastic Syndromes, Hereditary; Tumor predisposition. Identifiers: Orphanet 140162, MedGen C0027672, MeSH D009386, MONDO:0015356.

Submissions (2):

Ambry Genetics
Classification: Uncertain significance for Hereditary cancer-predisposing syndrome. Last evaluated: 2026-07-07. Review status: criteria provided, single submitter. Criteria: Ambry Variant Classification Scheme 2023. Collection method: clinical testing. Allele origin: germline.
Comment: The p.G141S variant (also known as c.421G>A), located in coding exon 2 of the MSH6 gene, results from a G to A substitution at nucleotide position 421. The glycine at codon 141 is replaced by serine, an amino acid with similar properties. This amino acid position is conserved. In addition, the in silico prediction for this alteration is inconclusive. Based on the available evidence, the clinical significance of this variant remains unclear.

Labcorp Genetics (formerly Invitae), Labcorp
Classification: Uncertain significance for Hereditary nonpolyposis colorectal neoplasms. Last evaluated: 2025-05-21. Review status: criteria provided, single submitter. Criteria: Invitae Variant Classification Sherloc (09022015). Collection method: clinical testing. Allele origin: germline.
Comment: This sequence change replaces glycine, which is neutral and non-polar, with serine, which is neutral and polar, at codon 141 of the MSH6 protein (p.Gly141Ser). This variant is not present in population databases (gnomAD no frequency). This variant has not been reported in the literature in individuals affected with MSH6-related conditions. Invitae Evidence Modeling of protein sequence and biophysical properties (such as structural, functional, and spatial information, amino acid conservation, physicochemical variation, residue mobility, and thermodynamic stability) indicates that this missense variant is not expected to disrupt MSH6 protein function with a negative predictive value of 95%. In summary, the available evidence is currently insufficient to determine the role of this variant in disease. Therefore, it has been classified as a Variant of Uncertain Significance.

NM_000179.3(MSH6):c.421G>A (p.Gly141Ser)

Gene: MSH6 (mutS homolog 6; plus strand). Cytogenetic location: 2p16.3.
Variant type: single nucleotide variant.
Coding change: c.421G>A on transcript NM_000179.3 (MANE Select); coding-DNA position 421, G replaced by A.
Protein change: p.Gly141Ser; replaces glycine 141 with serine.
Molecular consequence: missense variant. On other transcripts: 5 prime UTR variant (7), non-coding transcript variant (5), intron variant (6).
Genome position (GRCh38, 1-based): chr2:47,791,087, G>A. VCF-style: chr2-47791087-G-A. GRCh37 (hg19) VCF-style: chr2-48018226-G-A.
Other names: c.-316G>A (NM_001281493.2, NM_001406811.1, NM_001406823.1 and 1 more transcripts); c.-482G>A (NM_001281494.2); c.517G>A, p.Gly173Ser (NM_001406795.1, NM_001406802.1); c.421G>A, p.Gly141Ser (NM_001406796.1, NM_001406798.1, NM_001406800.1 and 6 more transcripts); c.124G>A, p.Gly42Ser (NM_001406797.1, NM_001406801.1, NM_001406805.1 and 10 more transcripts); c.343G>A, p.Gly115Ser (NM_001406804.1); c.-508G>A (NM_001406807.1); c.-574G>A (NM_001406814.1); and 5 more; short protein forms G115S, G141S, G173S, G42S, G85S.
Identifiers: ClinVar variation 4800185 (VCV004800185.2).